The following is an entry in ClinVar:

ClinVar aggregate classification (germline): Uncertain significance (1 of 4 stars; one submission).

Conditions:
Autosomal recessive ataxia, Beauce type. Also called: SYNE1 Deficiency; Spinocerebellar ataxia, autosomal recessive 8; ATAXIA, RECESSIVE, OF BEAUCE; SYNE1-Related Autosomal Recessive Cerebellar Ataxia. Identifiers: Orphanet 88644, MedGen C1853116, MONDO:0012549, OMIM 610743.
Emery-Dreifuss muscular dystrophy 4, autosomal dominant (EDMD4). Also called: EMERY-DREIFUSS MUSCULAR DYSTROPHY 4 WITH VARIABLE FEATURES. Identifiers: Orphanet 261, MedGen C2751807, MONDO:0013071, OMIM 612998.

Submission:

Labcorp Genetics (formerly Invitae), Labcorp
Classification: Uncertain significance for Emery-Dreifuss muscular dystrophy 4, autosomal dominant; Autosomal recessive ataxia, Beauce type. Last evaluated: 2022-05-25. Review status: criteria provided, single submitter. Criteria: Invitae Variant Classification Sherloc (09022015). Collection method: clinical testing. Allele origin: germline.
Comment: This variant is not present in population databases (gnomAD no frequency). In summary, the available evidence is currently insufficient to determine the role of this variant in disease. Therefore, it has been classified as a Variant of Uncertain Significance. Algorithms developed to predict the effect of missense changes on protein structure and function are either unavailable or do not agree on the potential impact of this missense change (SIFT: "Deleterious"; PolyPhen-2: "Benign"; Align-GVGD: "Class C0"). This variant has not been reported in the literature in individuals affected with SYNE1-related conditions. This sequence change replaces alanine, which is neutral and non-polar, with proline, which is neutral and non-polar, at codon 5479 of the SYNE1 protein (p.Ala5479Pro).

NM_182961.4(SYNE1):c.16648G>C (p.Ala5550Pro)

Gene: SYNE1 (spectrin repeat containing nuclear envelope protein 1; minus strand). Cytogenetic location: 6q25.2.
Variant type: single nucleotide variant.
Coding change: c.16648G>C on transcript NM_182961.4 (MANE Select); coding-DNA position 16648, G replaced by C.
Protein change: p.Ala5550Pro; replaces alanine 5550 with proline.
Molecular consequence: missense variant.
Genome position (GRCh38, 1-based): chr6:152,316,911, C>G on the plus strand (G>C on the coding strand, the complement: SYNE1 is on the minus strand). VCF-style: chr6-152316911-C-G. GRCh37 (hg19) VCF-style: chr6-152638046-C-G.
Other names: c.16435G>C, p.Ala5479Pro (NM_033071.5); short protein forms A5550P, A5479P.
Identifiers: ClinVar variation 1998386 (VCV001998386.4), dbSNP rs2483492404, ClinGen allele CA366110368.
Genomic context (GRCh38, chr6:152,316,911, plus strand): 5'-GATGCAAAATATATTGTTCCCGAAGCTGGCTTGCAGAATTCCATGCAATAGTTCCATGAG[C>G]CAAGACTTTAGCTTTTTCAATCCACTTCAAAATTAATTCAAGCATTTCATTGTATTCTTC-3'
Protein context (NP_892006.3, residues 5540-5560): LKWIEKAKVL[Ala5550Pro]HGTIAWNSAS